The following is an entry in ClinVar:

ClinVar aggregate classification (germline): Uncertain significance (1 of 4 stars; one submission).

Submission:

Labcorp Genetics (formerly Invitae), Labcorp
Classification: Uncertain significance. Last evaluated: 2025-01-30. Review status: criteria provided, single submitter. Criteria: Invitae Variant Classification Sherloc (09022015). Collection method: clinical testing. Allele origin: germline.
Comment: This variant, c.63_89del, results in the deletion of 9 amino acid(s) of the DEAF1 protein (p.Val25_Ala33del), but otherwise preserves the integrity of the reading frame. The frequency data for this variant in the population databases is considered unreliable, as metrics indicate poor data quality at this position in the gnomAD database. This variant has not been reported in the literature in individuals affected with DEAF1-related conditions. ClinVar contains an entry for this variant (Variation ID: 1519653). Experimental studies and prediction algorithms are not available or were not evaluated, and the functional significance of this variant is currently unknown. In summary, the available evidence is currently insufficient to determine the role of this variant in disease. Therefore, it has been classified as a Variant of Uncertain Significance.

NM_021008.4(DEAF1):c.63_89del (p.Val25_Ala33del)

Gene: DEAF1 (DEAF1 transcription factor; minus strand). Cytogenetic location: 11p15.5.
Variant type: Deletion.
Coding change: c.63_89del on transcript NM_021008.4 (MANE Select); coding-DNA positions 63 to 89, 27 bases deleted (CGCGGCCGCTGTGGCGGCGGCGGCCGC).
Protein change: p.Val25_Ala33del.
Molecular consequence: inframe deletion. On other transcripts: inframe indel (1), intron variant (1).
Genome position (GRCh38, 1-based): chr11:694,959-694,985, GCGGCCGCCGCCGCCACAGCGGCCGCG deleted on the plus strand (CGCGGCCGCTGTGGCGGCGGCGGCCGC on the coding strand, the reverse complement: DEAF1 is on the minus strand); deleting any 27 consecutive bases within chr11:694,959-694,987 gives the same sequence; the c. name uses the placement nearest the transcript's 3' end. VCF-style (leftmost placement, unchanged base first): chr11-694958-CGCGGCCGCCGCCGCCACAGCGGCCGCG-C. GRCh37 (hg19) VCF-style: chr11-694958-CGCGGCCGCCGCCGCCACAGCGGCCGCG-C.
Other names: c.61_87del27, p.Val25_Ala33del (NM_001293634.2); c.-437-3387_-437-3361del (NM_001367390.1).
Identifiers: ClinVar variation 1519653 (VCV001519653.8), dbSNP rs745622826, ClinGen allele CA5786669.